The following is an entry in ClinVar:

ClinVar aggregate classification (germline): Conflicting classifications of pathogenicity. Review status: criteria provided, conflicting classifications (1 of 4 stars). 2 submissions from 2 submitters: Uncertain significance (1); Benign (1). Last evaluated 2025-07-01.

Allele frequency attached by ClinVar (database versions not stated): ESP Exome Variant Server 0.00094; ExAC 0.00124; gnomAD exomes 0.00143.
gnomAD v4.1: 2,220 of 1,583,980 alleles (0.14%); highest among the groups gnomAD compares: Non-Finnish European, 0.17%; 95 homozygotes.

Submissions (2):

CeGaT Center for Human Genetics Tuebingen
Classification: Benign. Last evaluated: 2025-07-01. Review status: criteria provided, single submitter. Criteria: CeGaT Center For Human Genetics Tuebingen Variant Classification Criteria Version 2. Collection method: clinical testing. Allele origin: germline. Affected: yes. Observed: 2 variant alleles.
Comment: MUC5B: BS1, BS2

Ambry Genetics
Classification: Uncertain significance. Last evaluated: 2024-12-06. Review status: criteria provided, single submitter. Criteria: Ambry Variant Classification Scheme 2023. Collection method: clinical testing. Allele origin: germline.

NM_002458.3(MUC5B):c.10813G>A (p.Gly3605Arg)

Genes: MUC5B (mucin 5B, oligomeric mucus/gel-forming; plus strand), MUC5B-AS1 (MUC5B antisense RNA 1; minus strand). Cytogenetic location: 11p15.5.
Variant type: single nucleotide variant.
Coding change: c.10813G>A on transcript NM_002458.3 (MANE Select); coding-DNA position 10813, G replaced by A.
Protein change: p.Gly3605Arg; replaces glycine 3605 with arginine.
Molecular consequence: missense variant.
Genome position (GRCh38, 1-based): chr11:1,247,693, G>A. VCF-style: chr11-1247693-G-A. GRCh37 (hg19) VCF-style: chr11-1268923-G-A.
Other names: short protein forms G3605R.
Identifiers: ClinVar variation 2364853 (VCV002364853.27), dbSNP rs200676815, ClinGen allele CA5807461.